The following is an entry in ClinVar:

ClinVar aggregate classification (germline): Likely benign (1 of 4 stars; one submission).

Conditions:
TRIOBP-related disorder. Also called: TRIOBP-related condition.

gnomAD v4.1: 209 of 1,611,432 alleles (0.013%); highest among the groups gnomAD compares: African/African-American, 0.24%; no homozygotes.

Submission:

PreventionGenetics, part of Exact Sciences
Classification: Likely benign for TRIOBP-related condition. Last evaluated: 2025-08-29. Review status: criteria provided, single submitter. Criteria: ACMG Guidelines, 2015. Collection method: clinical testing. Allele origin: germline.
Comment: This variant is classified as likely benign based on ACMG/AMP sequence variant interpretation guidelines (Richards et al. 2015 PMID: 25741868, with internal and published modifications).

NM_001039141.3(TRIOBP):c.1916C>G (p.Pro639Arg)

Gene: TRIOBP (TRIO and F-actin binding protein; plus strand). Cytogenetic location: 22q13.1.
Variant type: single nucleotide variant.
Coding change: c.1916C>G on transcript NM_001039141.3 (MANE Select); coding-DNA position 1916, C replaced by G.
Protein change: p.Pro639Arg; replaces proline 639 with arginine.
Molecular consequence: missense variant.
Genome position (GRCh38, 1-based): chr22:37,724,472, C>G. VCF-style: chr22-37724472-C-G. GRCh37 (hg19) VCF-style: chr22-38120479-C-G.
Other names: short protein forms P639R.
Identifiers: ClinVar variation 4990214 (VCV004990214.1).